The following is an entry in ClinVar:

NM_139276.3(STAT3):c.1603_1604delinsTT (p.Pro535Phe)

Gene: STAT3 (signal transducer and activator of transcription 3; minus strand). Cytogenetic location: 17q21.2.
Variant type: Indel.
Coding change: c.1603_1604delinsTT on transcript NM_139276.3 (MANE Select); coding-DNA positions 1603 to 1604, CC replaced by TT.
Protein change: p.Pro535Phe; replaces proline 535 with phenylalanine.
Molecular consequence: missense variant.
Genome position (GRCh38, 1-based): chr17:42,323,622-42,323,623, GG replaced by AA on the plus strand (CC replaced by TT on the coding strand, the reverse complement: STAT3 is on the minus strand). VCF-style: chr17-42323622-GG-AA. GRCh37 (hg19) VCF-style: chr17-40475640-GG-AA.
Other names: c.1603_1604delinsTT, p.Pro535Phe (NM_001369512.1, NM_001369513.1, NM_001369514.1 and 10 more transcripts); c.1519_1520delinsTT, p.Pro507Phe (NM_001384984.1); c.1525_1526delinsTT, p.Pro509Phe (NM_001384985.1); c.1618_1619delinsTT, p.Pro540Phe (NM_001384986.1, NM_001384990.1); c.1582_1583delinsTT, p.Pro528Phe (NM_001384987.1); c.1507_1508delinsTT, p.Pro503Phe (NM_001384989.1); c.1543_1544delinsTT, p.Pro515Phe (NM_001384992.1); c.1603_1604delCCinsTT, p.Pro535Phe (NM_139276.2); short protein forms P503F, P507F, P509F, P515F, P528F, P535F, P540F.
Identifiers: ClinVar variation 4082518 (VCV004082518.2).

ClinVar aggregate classification (germline): Uncertain significance (1 of 4 stars; one submission).

Submission:

Genetic Services Laboratory, University of Chicago
Classification: Uncertain significance. Last evaluated: 2024-11-01. Review status: criteria provided, single submitter. Criteria: ACMG Guidelines, 2015. Collection method: clinical testing. Allele origin: germline. Affected: no.
Comment: DNA sequence analysis of the STAT3 gene demonstrated a deletion and insertion of two base pairs in exon 18 c.1603_1604delinsTT. This in-frame deletion/insertion is predicted to result in a missense change, p.Pro535Phe. This sequence change does not appear to have been previously described in individuals with STAT3-related disorders and has also not been described in the population databases such as ExAC and gnomAD. The p.Pro535Phe change affects a highly conserved amino acid residue located in a domain of the STAT3 protein that is known to be functional. The p.Pro535Phe substitution appears to be deleterious using several in-silico pathogenicity prediction tools (SIFT, Align GVGD). Due to insufficient evidence and the lack of functional studies, the clinical significance of the p.Pro535Phe change remains unknown at this time.